The following is an entry in ClinVar:

ClinVar aggregate classification (germline): Uncertain significance (1 of 4 stars; one submission).

Submission:

GeneDx
Classification: Uncertain significance. Last evaluated: 2025-06-09. Review status: criteria provided, single submitter. Criteria: GeneDx Variant Classification Process June 2021. Collection method: clinical testing. Allele origin: germline. Affected: yes.
Comment: Not observed at significant frequency in large population cohorts (gnomAD); In silico analysis supports that this missense variant has a deleterious effect on protein structure/function; Has not been previously published as pathogenic or benign to our knowledge

NM_021224.6(ZNF462):c.5021G>A (p.Gly1674Glu)

Gene: ZNF462 (zinc finger protein 462; plus strand). Cytogenetic location: 9q31.2.
Variant type: single nucleotide variant.
Coding change: c.5021G>A on transcript NM_021224.6 (MANE Select); coding-DNA position 5021, G replaced by A.
Protein change: p.Gly1674Glu; replaces glycine 1674 with glutamic acid.
Molecular consequence: missense variant. On other transcripts: intron variant (1).
Genome position (GRCh38, 1-based): chr9:106,928,933, G>A. VCF-style: chr9-106928933-G-A. GRCh37 (hg19) VCF-style: chr9-109691214-G-A.
Other names: c.3253-1592G>A (NM_001347997.2); short protein forms G1674E.
Identifiers: ClinVar variation 4538135 (VCV004538135.1).